The following is an entry in ClinVar:

NM_032578.4(MYPN):c.2408G>A (p.Ser803Asn)

Gene: MYPN (myopalladin; plus strand). Cytogenetic location: 10q21.3.
Variant type: single nucleotide variant.
Coding change: c.2408G>A on transcript NM_032578.4 (MANE Select); coding-DNA position 2408, G replaced by A.
Protein change: p.Ser803Asn; replaces serine 803 with asparagine.
Molecular consequence: missense variant. On other transcripts: non-coding transcript variant (2).
Genome position (GRCh38, 1-based): chr10:68,174,500, G>A. VCF-style: chr10-68174500-G-A. GRCh37 (hg19) VCF-style: chr10-69934257-G-A.
Other names: c.2408G>A, p.Ser803Asn (NM_001256267.2); c.1526G>A, p.Ser509Asn (NM_001256268.2); short protein forms S509N, S803N.
Identifiers: ClinVar variation 1790830 (VCV001790830.2), dbSNP rs1161613245, ClinGen allele CA376847172.
Genomic context (GRCh38, chr10:68,174,500, plus strand): 5'-AGCCACTCCCACCAGGCCCAACAGAACCAACACCACCACCATTCACATTTTCCATCCCCA[G>A]CGGAAACCAGTTTCAGCCCCGCTGTGTGTCCCCAATTCCTGTCTCTCCTACCAGCCGGAT-3'
Protein context (NP_115967.2, residues 793-813): TPPPFTFSIP[Ser803Asn]GNQFQPRCVS

ClinVar aggregate classification (germline): Uncertain significance (1 of 4 stars; one submission).

Conditions:
Cardiovascular phenotype. Identifiers: MedGen CN230736.

gnomAD v4.1: 1 of 1,613,884 alleles (0.000062%); highest among the groups gnomAD compares: Non-Finnish European, 0.000085%; no homozygotes.

Submission:

Ambry Genetics
Classification: Uncertain significance for Cardiovascular phenotype. Last evaluated: 2021-06-05. Review status: criteria provided, single submitter. Criteria: Ambry Variant Classification Scheme 2023. Collection method: clinical testing. Allele origin: germline.
Comment: The p.S803N variant (also known as c.2408G>A), located in coding exon 10 of the MYPN gene, results from a G to A substitution at nucleotide position 2408. The serine at codon 803 is replaced by asparagine, an amino acid with highly similar properties. This amino acid position is well conserved in available vertebrate species. In addition, this alteration is predicted to be tolerated by in silico analysis. Since supporting evidence is limited at this time, the clinical significance of this alteration remains unclear.